The following is an entry in ClinVar:

ClinVar aggregate classification (germline): Conflicting classifications of pathogenicity. Review status: criteria provided, conflicting classifications (1 of 4 stars). 2 submissions from 2 submitters: Uncertain significance (1); Likely benign (1). Last evaluated 2025-06-14.

Conditions:
Charcot-Marie-Tooth disease axonal type 2O. Also called: CHARCOT-MARIE-TOOTH NEUROPATHY, AXONAL, TYPE 2O; CHARCOT-MARIE-TOOTH DISEASE, AXONAL, AUTOSOMAL DOMINANT, TYPE 2O; Charcot-Marie-Tooth Neuropathy Type 2O; Charcot-Marie-Tooth disease, axonal, type 20. Identifiers: Orphanet 284232, MedGen C3280220, MONDO:0013644, OMIM 614228.

Allele frequency attached by ClinVar (database versions not stated): gnomAD exomes below 0.00001; ExAC 0.00001.
gnomAD v4.1: 17 of 1,614,058 alleles (0.0011%); highest among the groups gnomAD compares: Non-Finnish European, 0.0014%; no homozygotes.

Submissions (2):

Labcorp Genetics (formerly Invitae), Labcorp
Classification: Likely benign for Charcot-Marie-Tooth disease axonal type 2O. Last evaluated: 2025-06-14. Review status: criteria provided, single submitter. Criteria: Invitae Variant Classification Sherloc (09022015). Collection method: clinical testing. Allele origin: germline.

GeneDx
Classification: Uncertain significance. Last evaluated: 2019-05-07. Review status: criteria provided, single submitter. Criteria: GeneDx Variant Classification Process June 2021. Collection method: clinical testing. Allele origin: germline. Affected: yes.
Comment: In silico analysis, which includes protein predictors and evolutionary conservation, supports that this variant does not alter protein structure/function; Has not been previously published as pathogenic or benign to our knowledge

NM_001376.5(DYNC1H1):c.3242C>T (p.Ala1081Val)

Gene: DYNC1H1 (dynein cytoplasmic 1 heavy chain 1; plus strand). Cytogenetic location: 14q32.31.
Variant type: single nucleotide variant.
Coding change: c.3242C>T on transcript NM_001376.5 (MANE Select); coding-DNA position 3242, C replaced by T.
Protein change: p.Ala1081Val; replaces alanine 1081 with valine.
Molecular consequence: missense variant.
Genome position (GRCh38, 1-based): chr14:101,994,758, C>T. VCF-style: chr14-101994758-C-T. GRCh37 (hg19) VCF-style: chr14-102461095-C-T.
Other names: short protein forms A1081V.
Identifiers: ClinVar variation 1305669 (VCV001305669.3), dbSNP rs761186402, ClinGen allele CA7351973.